The following is an entry in ClinVar:

ClinVar aggregate classification (germline): Uncertain significance (1 of 4 stars; one submission).

Conditions:
Neuroblastoma, susceptibility to, 3. Also called: ALK-Related Neuroblastic Tumor Susceptibility. Identifiers: Orphanet 635, MedGen C2751681, MONDO:0013083, OMIM 613014.

Submission:

Labcorp Genetics (formerly Invitae), Labcorp
Classification: Uncertain significance for Neuroblastoma, susceptibility to, 3. Last evaluated: 2023-06-14. Review status: criteria provided, single submitter. Criteria: Invitae Variant Classification Sherloc (09022015). Collection method: clinical testing. Allele origin: germline.
Comment: In summary, the available evidence is currently insufficient to determine the role of this variant in disease. Therefore, it has been classified as a Variant of Uncertain Significance. This variant has not been reported in the literature in individuals affected with ALK-related conditions. This variant is a gross deletion of the genomic region encompassing exon(s) 14-15 of the ALK gene. This deletion is out-of-frame, and is expected to create a premature translational stop signal and result in an absent or disrupted protein product. However, the current clinical and genetic evidence is not sufficient to establish whether loss-of-function variants in ALK cause disease.

NC_000002.11:g.(?_29455160)_(29456572_?)del

Gene: ALK (ALK receptor tyrosine kinase; minus strand). Cytogenetic location: 2p23.2.
Variant type: Deletion.
Identifiers: ClinVar variation 2425056 (VCV002425056.4).